The following is an entry in ClinVar:

ClinVar aggregate classification (germline): Conflicting classifications of pathogenicity. Review status: criteria provided, conflicting classifications (1 of 4 stars). 4 submissions from 4 submitters: Uncertain significance (3); Benign (1). Last evaluated 2025-10-09.

Conditions:
Hereditary cancer-predisposing syndrome. Also called: Neoplastic Syndromes, Hereditary; Hereditary Cancer Syndrome; Tumor predisposition; Hereditary neoplastic syndrome. Identifiers: Orphanet 140162, MedGen C0027672, MeSH D009386, MONDO:0015356.
Tuberous sclerosis syndrome (TSC). Also called: Tuberous Sclerosis Complex; Tuberous sclerosis. Identifiers: Orphanet 805, MedGen C0041341, MONDO:0001734.
Tuberous sclerosis 2 (TSC2). Identifiers: Orphanet 805, MedGen C1860707, MONDO:0013199, OMIM 613254.

Allele frequency attached by ClinVar (database versions not stated): TOPMed below 0.00001.
gnomAD v4.1: 18 of 1,612,828 alleles (0.0011%); highest among the groups gnomAD compares: East Asian, 0.038%; no homozygotes.

Submissions (4):

Labcorp Genetics (formerly Invitae), Labcorp
Classification: Benign for Tuberous sclerosis 2. Last evaluated: 2025-10-09. Review status: criteria provided, single submitter. Criteria: Invitae Variant Classification Sherloc (09022015). Collection method: clinical testing. Allele origin: germline.

Color Diagnostics, LLC DBA Color Health
Classification: Uncertain significance for Tuberous sclerosis syndrome. Last evaluated: 2025-08-13. Review status: criteria provided, single submitter. Criteria: ACMG Guidelines, 2015. Collection method: clinical testing. Allele origin: germline.
Comment: This missense variant replaces glutamine with histidine at codon 803 of the TSC2 protein. Computational prediction suggests that this variant may have deleterious impact on protein structure and function. To our knowledge, functional studies have not been reported for this variant. This variant has not been reported in individuals affected with TSC2-related disorders in the literature. This variant has not been identified in the general population by the Genome Aggregation Database (gnomAD). The available evidence is insufficient to determine the role of this variant in disease conclusively. Therefore, this variant is classified as a Variant of Uncertain Significance.

Ambry Genetics
Classification: Uncertain significance for Hereditary cancer-predisposing syndrome. Last evaluated: 2023-11-21. Review status: criteria provided, single submitter. Criteria: Ambry Variant Classification Scheme 2023. Collection method: clinical testing. Allele origin: germline.
Comment: The p.Q803H variant (also known as c.2409G>T), located in coding exon 21 of the TSC2 gene, results from a G to T substitution at nucleotide position 2409. The glutamine at codon 803 is replaced by histidine, an amino acid with highly similar properties. This amino acid position is highly conserved in available vertebrate species. In addition, this alteration is predicted to be deleterious by in silico analysis. Since supporting evidence is limited at this time, the clinical significance of this alteration remains unclear.

Genome-Nilou Lab
Classification: Uncertain significance for Tuberous sclerosis 2. Last evaluated: 2021-11-07. Review status: criteria provided, single submitter. Criteria: ACMG Guidelines, 2015. Collection method: clinical testing. Allele origin: germline. Affected: no.

NM_000548.5(TSC2):c.2409G>T (p.Gln803His)

Gene: TSC2 (TSC complex subunit 2; plus strand). Cytogenetic location: 16p13.3.
Variant type: single nucleotide variant.
Coding change: c.2409G>T on transcript NM_000548.5 (MANE Select); coding-DNA position 2409, G replaced by T.
Protein change: p.Gln803His; replaces glutamine 803 with histidine.
Molecular consequence: missense variant.
Genome position (GRCh38, 1-based): chr16:2,074,253, G>T. VCF-style: chr16-2074253-G-T. GRCh37 (hg19) VCF-style: chr16-2124254-G-T.
Other names: c.2409G>T, p.Gln803His (NM_001077183.3, NM_001114382.3, NM_001363528.2 and 3 more transcripts); c.2298G>T, p.Gln766His (NM_001318827.2); c.2262G>T, p.Gln754His (NM_001318829.2); c.1809G>T, p.Gln603His (NM_001318831.2); c.2442G>T, p.Gln814His (NM_001318832.2); short protein forms Q803H, Q754H, Q766H, Q603H, Q814H.
Identifiers: ClinVar variation 581380 (VCV000581380.17), dbSNP rs1400548727, ClinGen allele CA394277160.